The following is an entry in ClinVar:

NM_002878.4(RAD51D):c.87_101dup (p.Val32_Leu36dup)

Genes: RAD51L3-RFFL (RAD51L3-RFFL readthrough; minus strand), RAD51D (RAD51 paralog D; minus strand). Cytogenetic location: 17q12.
Variant type: Duplication.
Coding change: c.87_101dup on transcript NM_002878.4 (MANE Select); coding-DNA positions 87 to 101, 15 bases duplicated (GGACCTGGTTTCTGC).
Protein change: p.Val32_Leu36dup.
Molecular consequence: inframe insertion. On other transcripts: non-coding transcript variant (2).
Genome position (GRCh38, 1-based): chr17:35,119,154-35,119,168, GCAGAAACCAGGTCC duplicated on the plus strand (GGACCTGGTTTCTGC on the coding strand, the reverse complement: RAD51D is on the minus strand). VCF-style (leftmost placement, unchanged base first): chr17-35119153-T-TGCAGAAACCAGGTCC. GRCh37 (hg19) VCF-style: chr17-33446172-T-TGCAGAAACCAGGTCC.
Other names: c.87_101dup, p.Val32_Leu36dup (NM_001142571.2, NM_133629.3); c.87_101dupGGACCTGGTTTCTGC (NM_002878.3).
Identifiers: ClinVar variation 472626 (VCV000472626.8), dbSNP rs1555570417, ClinGen allele CA658658615.

ClinVar aggregate classification (germline): Uncertain significance (1 of 4 stars; one submission).

Conditions:
Breast-ovarian cancer, familial, susceptibility to, 4. Identifiers: Orphanet 145, MedGen C3280345, MONDO:0013669, OMIM 614291.

Submission:

Labcorp Genetics (formerly Invitae), Labcorp
Classification: Uncertain significance for Breast-ovarian cancer, familial, susceptibility to, 4. Last evaluated: 2017-05-04. Review status: criteria provided, single submitter. Criteria: Invitae Variant Classification Sherloc (09022015). Collection method: clinical testing. Allele origin: germline.
Comment: This sequence change inserts 15 nucleotides in exon 2 of the RAD51D mRNA (c.87_101dupGGACCTGGTTTCTGC). This leads to the insertion of 5 amino acid residues in the RAD51D protein (p.Val32_Leu36dup) but otherwise preserves the integrity of the reading frame. This variant is not present in population databases (ExAC no frequency) and has not been reported in the literature in individuals with a RAD51D-related disease. Experimental studies and prediction algorithms are not available for this variant, and the functional significance of the duplicated amino acids is currently unknown. In summary, this variant is a novel in-frame deletion with uncertain impact on protein function. It has been classified as a Variant of Uncertain Significance.